The following is an entry in ClinVar:

ClinVar aggregate classification (germline): Benign (0 of 4 stars; one submission).

Conditions:
C6 A/B POLYMORPHISM.

Allele frequency attached by ClinVar (database versions not stated): ESP Exome Variant Server 0.39159; gnomAD 0.39725 and 0.39838; ExAC 0.40639; TOPMed 0.40642; gnomAD exomes 0.40707; 1000 Genomes Project 0.44609; 1000 Genomes Project 30x 0.44831.

Submission:

OMIM
Classification: Benign for C6 A/B POLYMORPHISM. Last evaluated: 1993-05-01. Review status: no assertion criteria provided. Collection method: literature only. Allele origin: germline.

Literature cited by the submitters: PubMed 8518798; PubMed 2789218; PubMed 2808363.

NM_000065.5(C6):c.356= (p.Ala119=)

Gene: C6 (complement C6; minus strand). Cytogenetic location: 5p13.1.
Variant type: single nucleotide variant.
Coding change: c.356= on transcript NM_000065.5 (MANE Select); coding-DNA position 356, no change from the reference sequence.
Protein change: p.Ala119=; no amino-acid change (alanine 119 retained).
Molecular consequence: no sequence alteration.
Genome position: GRCh38 VCF-style: chr5-41199857-G-G. GRCh37 (hg19) VCF-style: chr5-41199959-G-G.
Other names: C6, GLU98ALA; C6 phenotype B; c.356=, p.Ala119= (NM_001115131.4).
Identifiers: ClinVar variation 932247 (VCV000932247.1), dbSNP rs1801033.